The following is an entry in ClinVar:

NM_001080508.3(TBX18):c.806G>A (p.Arg269Gln)

Gene: TBX18 (T-box transcription factor 18; minus strand). Cytogenetic location: 6q14.3.
Variant type: single nucleotide variant.
Coding change: c.806G>A on transcript NM_001080508.3 (MANE Select); coding-DNA position 806, G replaced by A.
Protein change: p.Arg269Gln; replaces arginine 269 with glutamine.
Molecular consequence: missense variant.
Genome position (GRCh38, 1-based): chr6:84,748,053, C>T on the plus strand (G>A on the coding strand, the complement: TBX18 is on the minus strand). VCF-style: chr6-84748053-C-T. GRCh37 (hg19) VCF-style: chr6-85457771-C-T.
Other names: short protein forms R269Q.
Identifiers: ClinVar variation 3622487 (VCV003622487.2).

ClinVar aggregate classification (germline): Uncertain significance (1 of 4 stars; one submission).

gnomAD v4.1: 18 of 1,612,456 alleles (0.0011%); highest among the groups gnomAD compares: African/African-American, 0.0053%; no homozygotes.

Submission:

Labcorp Genetics (formerly Invitae), Labcorp
Classification: Uncertain significance. Last evaluated: 2025-06-12. Review status: criteria provided, single submitter. Criteria: Invitae Variant Classification Sherloc (09022015). Collection method: clinical testing. Allele origin: germline.
Comment: This sequence change replaces arginine, which is basic and polar, with glutamine, which is neutral and polar, at codon 269 of the TBX18 protein (p.Arg269Gln). This variant is present in population databases (rs541982391, gnomAD 0.01%). This variant has not been reported in the literature in individuals affected with TBX18-related conditions. ClinVar contains an entry for this variant (Variation ID: 3622487). Invitae Evidence Modeling of protein sequence and biophysical properties (such as structural, functional, and spatial information, amino acid conservation, physicochemical variation, residue mobility, and thermodynamic stability) indicates that this missense variant is expected to disrupt TBX18 protein function with a positive predictive value of 80%. In summary, the available evidence is currently insufficient to determine the role of this variant in disease. Therefore, it has been classified as a Variant of Uncertain Significance.